The following is an entry in ClinVar:

ClinVar aggregate classification (germline): Likely benign (1 of 4 stars; one submission).

gnomAD v4.1: 5 of 1,610,890 alleles (0.00031%); highest among the groups gnomAD compares: Middle Eastern, 0.033%; no homozygotes.

Submission:

CeGaT Center for Human Genetics Tuebingen
Classification: Likely benign. Last evaluated: 2026-09-01. Review status: criteria provided, single submitter. Criteria: CeGaT Center For Human Genetics Tuebingen Variant Classification Criteria Version 2. Collection method: clinical testing. Allele origin: germline. Affected: yes. Observed: 1 variant allele.
Comment: IGF2BP3: BP4, BP7

NM_006547.3(IGF2BP3):c.957G>A (p.Thr319=)

Gene: IGF2BP3 (insulin like growth factor 2 mRNA binding protein 3; minus strand). Cytogenetic location: 7p15.3.
Variant type: single nucleotide variant.
Coding change: c.957G>A on transcript NM_006547.3 (MANE Select); coding-DNA position 957, G replaced by A.
Protein change: p.Thr319=; no amino-acid change (threonine 319 retained).
Molecular consequence: synonymous variant.
Genome position (GRCh38, 1-based): chr7:23,343,838, C>T on the plus strand (G>A on the coding strand, the complement: IGF2BP3 is on the minus strand). VCF-style: chr7-23343838-C-T. GRCh37 (hg19) VCF-style: chr7-23383457-C-T.
Identifiers: ClinVar variation 5041470 (VCV005041470.1).